The following is an entry in ClinVar:

NM_022455.5(NSD1):c.2386_2389del (p.Glu796fs)

Gene: NSD1 (nuclear receptor binding SET domain protein 1; plus strand). Cytogenetic location: 5q35.3.
Variant type: Deletion.
Coding change: c.2386_2389del on transcript NM_022455.5 (MANE Select); coding-DNA positions 2386 to 2389, 4 bases deleted (GAAA; older notation c.2386_2389delGAAA).
Protein change: p.Glu796fs; shifts the reading frame from glutamic acid 796.
Molecular consequence: frameshift variant.
Genome position (GRCh38, 1-based): chr5:177,210,785-177,210,788, GAAA deleted; deleting any 4 consecutive bases within chr5:177,210,782-177,210,788 gives the same sequence; the c. name uses the placement nearest the transcript's 3' end. VCF-style (leftmost placement, unchanged base first): chr5-177210781-CAAAG-C. GRCh37 (hg19) VCF-style: chr5-176637782-CAAAG-C.
Other names: c.1513_1516delGAAA, p.Glu505Ilefs (NM_001365684.2, NM_001409306.1, NM_001409307.1 and 3 more transcripts); c.2386_2389delGAAA, p.Glu796Ilefs (NM_001409301.1, NM_001409302.1, NM_001409303.1); c.1966_1969delGAAA, p.Glu656Ilefs (NM_001409304.1); c.1633_1636delGAAA, p.Glu545Ilefs (NM_001409305.1); short protein forms E527fs.
Identifiers: ClinVar variation 159287 (VCV000159287.23), dbSNP rs587784086, ClinGen allele CA294827.

ClinVar aggregate classification (germline): Pathogenic. Review status: criteria provided, multiple submitters, no conflicts (2 of 4 stars). 5 submissions from 5 submitters: Pathogenic (5). Last evaluated 2024-11-18.

Conditions:
Sotos syndrome (SOTOS). Also called: Distinctive facial appearance, overgrowth in childhood, and learning disabilities or delayed development; CEREBRAL GIGANTISM; Sotos' syndrome; CHROMOSOME 5q35 DELETION SYNDROME; SOTOS SYNDROME 1. Identifiers: Orphanet 821, MedGen C0175695, MONDO:0019349, OMIM 117550.

Submissions (5):

Labcorp Genetics (formerly Invitae), Labcorp
Classification: Pathogenic. Last evaluated: 2024-11-18. Review status: criteria provided, single submitter. Criteria: Invitae Variant Classification Sherloc (09022015). Collection method: clinical testing. Allele origin: germline.
Comment: This sequence change creates a premature translational stop signal (p.Glu796Ilefs*10) in the NSD1 gene. It is expected to result in an absent or disrupted protein product. Loss-of-function variants in NSD1 are known to be pathogenic (PMID: 12464997, 14571271, 15942875, 16247291). This variant is not present in population databases (gnomAD no frequency). This premature translational stop signal has been observed in individuals with Sotos syndrome (PMID: 14517949). ClinVar contains an entry for this variant (Variation ID: 159287). For these reasons, this variant has been classified as Pathogenic.

GeneDx
Classification: Pathogenic. Last evaluated: 2023-09-11. Review status: criteria provided, single submitter. Criteria: GeneDx Variant Classification Process June 2021. Collection method: clinical testing. Allele origin: germline. Affected: yes.
Comment: Reported previously in patients with moderate to severe learning disabilities, seizures, scoliosis, scaphocephaly, ASD/VSD/PDA, and aortic dilation in published literature (Pezzani et al., 2020; Tatton-Brown et al., 2005); Frameshift variant predicted to result in protein truncation or nonsense mediated decay in a gene for which loss-of-function is a known mechanism of disease; Not observed at significant frequency in large population cohorts (gnomAD); This variant is associated with the following publications: (PMID: 14517949, 29164086, 15942875, 32286744, 35032046)

Greenwood Genetic Center Diagnostic Laboratories, Greenwood Genetic Center
Classification: Pathogenic for Sotos syndrome. Last evaluated: 2021-09-29. Review status: criteria provided, single submitter. Criteria: ACMG Guidelines, 2015. Collection method: clinical testing. Allele origin: germline. Affected: yes.
Comment: PVS1, PS4_Supporting, PM2

Genome-Nilou Lab
Classification: Pathogenic for Sotos syndrome. Last evaluated: 2021-07-15. Review status: criteria provided, single submitter. Criteria: ACMG Guidelines, 2015. Collection method: clinical testing. Allele origin: germline. Affected: no.

Genetic Services Laboratory, University of Chicago
Classification: Pathogenic for Sotos syndrome 1. Last evaluated: 2013-02-08. Review status: criteria provided, single submitter. Criteria: ACMG Guidelines, 2007. Collection method: clinical testing. Allele origin: germline. Inheritance: Autosomal dominant inheritance. Affected: yes.

Literature cited by the submitters: PubMed 12464997 (cited by Labcorp Genetics (formerly Invitae), Labcorp); PubMed 14571271 (cited by Labcorp Genetics (formerly Invitae), Labcorp); PubMed 15942875 (cited by Labcorp Genetics (formerly Invitae), Labcorp); PubMed 16247291 (cited by Labcorp Genetics (formerly Invitae), Labcorp); PubMed 14517949 (cited by Labcorp Genetics (formerly Invitae), Labcorp).